The following is an entry in ClinVar:

NM_052989.3(IFT122):c.2791+1G>A

Gene: IFT122 (intraflagellar transport 122; plus strand). Cytogenetic location: 3q22.1.
Variant type: single nucleotide variant.
Coding change: c.2791+1G>A on transcript NM_052989.3 (MANE Select); the canonical splice donor site of the intron after coding-DNA position 2791, G replaced by A.
Molecular consequence: splice donor variant.
Genome position (GRCh38, 1-based): chr3:129,506,550, G>A. VCF-style: chr3-129506550-G-A. GRCh37 (hg19) VCF-style: chr3-129225393-G-A.
Other names: c.2341+1G>A (NM_001280545.2); c.2944+1G>A (NM_052985.4); c.2767+1G>A (NM_001280541.2); c.2791+1G>A (NM_001410808.1); c.2737+1G>A (NM_001410809.1); c.2614+1G>A (NM_001410810.1, NM_018262.4); c.2560+1G>A (NM_001410811.1, NM_001410813.1); c.2164+1G>A (NM_001280546.2); and 2 more.
Identifiers: ClinVar variation 3692429 (VCV003692429.2).

ClinVar aggregate classification (germline): Likely pathogenic (1 of 4 stars; one submission).

Conditions:
Cranioectodermal dysplasia 1 (CED1). Also called: LEVIN SYNDROME I. Identifiers: Orphanet 1515, MedGen C0432235, MONDO:0021093, OMIM 218330.

Submission:

Labcorp Genetics (formerly Invitae), Labcorp
Classification: Likely pathogenic for Cranioectodermal dysplasia 1. Last evaluated: 2025-02-16. Review status: criteria provided, single submitter. Criteria: Invitae Variant Classification Sherloc (09022015). Collection method: clinical testing. Allele origin: germline.
Comment: This sequence change affects a donor splice site in intron 23 of the IFT122 gene. It is expected to disrupt RNA splicing. Variants that disrupt the donor or acceptor splice site typically lead to a loss of protein function (PMID: 16199547), and loss-of-function variants in IFT122 are known to be pathogenic (PMID: 20493458, 23826986, 26792575). This variant is not present in population databases (gnomAD no frequency). This variant has not been reported in the literature in individuals affected with IFT122-related conditions. Algorithms developed to predict the effect of sequence changes on RNA splicing suggest that this variant may disrupt the consensus splice site. In summary, the currently available evidence indicates that the variant is pathogenic, but additional data are needed to prove that conclusively. Therefore, this variant has been classified as Likely Pathogenic.

Literature cited by the submitters: PubMed 16199547; PubMed 20493458; PubMed 23826986; PubMed 26792575.